The following is an entry in ClinVar:

NM_001018005.2(TPM1):c.354G>C (p.Lys118Asn)

Gene: TPM1 (tropomyosin 1; plus strand). Cytogenetic location: 15q22.2.
Variant type: single nucleotide variant.
Coding change: c.354G>C on transcript NM_001018005.2 (MANE Select); coding-DNA position 354, G replaced by C.
Protein change: p.Lys118Asn; replaces lysine 118 with asparagine.
Molecular consequence: missense variant. On other transcripts: non-coding transcript variant (17).
Genome position (GRCh38, 1-based): chr15:63,057,098, G>C. VCF-style: chr15-63057098-G-C. GRCh37 (hg19) VCF-style: chr15-63349297-G-C.
Other names: c.354G>C, p.Lys118Asn (NM_001407330.1, NM_001407331.1, NM_001407332.1 and 20 more transcripts); c.246G>C, p.Lys82Asn (NM_001407340.1, NM_001407341.1, NM_001407342.1 and 9 more transcripts); c.480G>C, p.Lys160Asn (NM_001365778.1, NM_001407322.1, NM_001407323.1 and 1 more transcripts); short protein forms K118N, K160N, K82N.
Identifiers: ClinVar variation 4994587 (VCV004994587.1).

ClinVar aggregate classification (germline): Uncertain significance (1 of 4 stars; one submission).

Conditions:
TPM1-related disorder. Also called: TPM1-related condition.

Submission:

PreventionGenetics, part of Exact Sciences
Classification: Uncertain significance for TPM1-related condition. Last evaluated: 2026-06-29. Review status: criteria provided, single submitter. Criteria: ACMG Guidelines, 2015. Collection method: clinical testing. Allele origin: germline.
Comment: The TPM1 c.354G>C variant is predicted to result in the amino acid substitution p.Lys118Asn. To our knowledge, this variant has not been reported in the literature or in a large population database (gnomAD), indicating this variant is rare. At this time, the clinical significance of this variant is uncertain due to the absence of conclusive functional and genetic evidence.